The following is an entry in ClinVar:

NM_001291303.3(FAT4):c.7312G>T (p.Val2438Phe)

Gene: FAT4 (FAT atypical cadherin 4; plus strand). Cytogenetic location: 4q28.1.
Variant type: single nucleotide variant.
Coding change: c.7312G>T on transcript NM_001291303.3 (MANE Select); coding-DNA position 7312, G replaced by T.
Protein change: p.Val2438Phe; replaces valine 2438 with phenylalanine.
Molecular consequence: missense variant.
Genome position (GRCh38, 1-based): chr4:125,446,405, G>T. VCF-style: chr4-125446405-G-T. GRCh37 (hg19) VCF-style: chr4-126367560-G-T.
Other names: c.7312G>T, p.Val2438Phe (NM_001291285.3); c.7306G>T, p.Val2436Phe (NM_024582.6); c.7306G>T (NM_024582.5, NM_024582.4); short protein forms V2436F, V2438F.
Identifiers: ClinVar variation 1035455 (VCV001035455.9), dbSNP rs376545643, ClinGen allele CA3073162.

ClinVar aggregate classification (germline): Uncertain significance. Review status: criteria provided, multiple submitters, no conflicts (2 of 4 stars). 4 submissions from 4 submitters: Uncertain significance (4). Last evaluated 2025-08-04.

Conditions:
Van Maldergem syndrome 2 (VMLDS2). Identifiers: Orphanet 314679, MedGen C3809875, MONDO:0014242, OMIM 615546.
Hennekam lymphangiectasia-lymphedema syndrome 2 (HKLLS2). Identifiers: Orphanet 2136, MedGen C4014939, MONDO:0014454, OMIM 616006.
Inborn genetic diseases. Identifiers: MedGen C0950123, MeSH D030342.

Allele frequency attached by ClinVar (database versions not stated): ExAC 0.00006; gnomAD 0.00009 and 0.00007; gnomAD exomes 0.00005 and 0.00009; ESP Exome Variant Server 0.00008; TOPMed 0.00008.
gnomAD v4.1: 137 of 1,613,370 alleles (0.0085%); highest among the groups gnomAD compares: Non-Finnish European, 0.011%; no homozygotes.

Submissions (5):

Ambry Genetics
Classification: Uncertain significance for Inborn genetic diseases. Last evaluated: 2025-08-04. Review status: criteria provided, single submitter. Criteria: Ambry Variant Classification Scheme 2023. Collection method: clinical testing. Allele origin: germline.

Fulgent Genetics
Classification: Uncertain significance for Van Maldergem syndrome 2; Hennekam lymphangiectasia-lymphedema syndrome 2. Last evaluated: 2024-03-29. Review status: criteria provided, single submitter. Criteria: ACMG Guidelines, 2015. Collection method: clinical testing. Allele origin: germline.

Labcorp Genetics (formerly Invitae), Labcorp
Classification: Uncertain significance. Last evaluated: 2022-03-17. Review status: criteria provided, single submitter. Criteria: Invitae Variant Classification Sherloc (09022015). Collection method: clinical testing. Allele origin: germline.
Comment: This sequence change replaces valine, which is neutral and non-polar, with phenylalanine, which is neutral and non-polar, at codon 2436 of the FAT4 protein (p.Val2436Phe). This variant is present in population databases (rs376545643, gnomAD 0.01%). This variant has not been reported in the literature in individuals affected with FAT4-related conditions. ClinVar contains an entry for this variant (Variation ID: 1035455). Advanced modeling of protein sequence and biophysical properties (such as structural, functional, and spatial information, amino acid conservation, physicochemical variation, residue mobility, and thermodynamic stability) performed at Invitae indicates that this missense variant is not expected to disrupt FAT4 protein function. In summary, the available evidence is currently insufficient to determine the role of this variant in disease. Therefore, it has been classified as a Variant of Uncertain Significance.

Center for Genomics, Ann and Robert H. Lurie Children's Hospital of Chicago
Classification: Uncertain significance for Van Maldergem syndrome 2; Hennekam lymphangiectasia-lymphedema syndrome 2. Review status: criteria provided, single submitter. Criteria: ACMG Guidelines, 2015. Collection method: clinical testing. Allele origin: germline.
Comment: This variant has not been reported in the literature but is present in the Genome Aggregation Database (Highest reported MAF 0.01% (9/67992). This variant is present in ClinVar (Variation ID:1035455). Evolutionary conservation for this variant is unclear; computational predictive tools suggest that this variant may not impact the protein. In summary, data on this variant is insufficient for disease classification. Therefore, the clinical significance of this variant is uncertain.

Dr. Peter K. Rogan Lab, Western University
No classification provided (evidence only). Condition: Hepatocellular carcinoma. Review status: no classification provided. Collection method: in vitro. Allele origin: not applicable. Functional consequence: retained intron. Not counted in ClinVar's aggregate classification.